The following is an entry in ClinVar:

NM_032888.4(COL27A1):c.2169+1G>T

Gene: COL27A1 (collagen type XXVII alpha 1 chain; plus strand). Cytogenetic location: 9q32.
Variant type: single nucleotide variant.
Coding change: c.2169+1G>T on transcript NM_032888.4 (MANE Select); the canonical splice donor site of the intron after coding-DNA position 2169, G replaced by T.
Molecular consequence: splice donor variant.
Genome position (GRCh38, 1-based): chr9:114,205,147, G>T. VCF-style: chr9-114205147-G-T. GRCh37 (hg19) VCF-style: chr9-116967427-G-T.
Identifiers: ClinVar variation 2808163 (VCV002808163.3), dbSNP rs2135298839, ClinGen allele CA374600323.

ClinVar aggregate classification (germline): Likely pathogenic (1 of 4 stars; one submission).

Submission:

Labcorp Genetics (formerly Invitae), Labcorp
Classification: Likely pathogenic. Last evaluated: 2023-06-03. Review status: criteria provided, single submitter. Criteria: Invitae Variant Classification Sherloc (09022015). Collection method: clinical testing. Allele origin: germline.
Comment: This variant has not been reported in the literature in individuals affected with COL27A1-related conditions. This sequence change affects a donor splice site in intron 8 of the COL27A1 gene. It is expected to disrupt RNA splicing. Variants that disrupt the donor or acceptor splice site typically lead to a loss of protein function (PMID: 16199547), and loss-of-function variants in COL27A1 are known to be pathogenic (PMID: 24986830, 28276056). This variant is not present in population databases (gnomAD no frequency). In summary, the currently available evidence indicates that the variant is pathogenic, but additional data are needed to prove that conclusively. Therefore, this variant has been classified as Likely Pathogenic. Algorithms developed to predict the effect of sequence changes on RNA splicing suggest that this variant may disrupt the consensus splice site.

Literature cited by the submitters: PubMed 16199547; PubMed 24986830; PubMed 28276056.